The following is an entry in ClinVar:

NM_001368397.1(FRMPD4):c.2834C>A (p.Pro945His)

Gene: FRMPD4 (FERM and PDZ domain containing 4; plus strand). Cytogenetic location: Xp22.2.
Variant type: single nucleotide variant.
Coding change: c.2834C>A on transcript NM_001368397.1 (MANE Select); coding-DNA position 2834, C replaced by A.
Protein change: p.Pro945His; replaces proline 945 with histidine.
Molecular consequence: missense variant.
Genome position (GRCh38, 1-based): chrX:12,717,660, C>A. VCF-style: chrX-12717660-C-A. GRCh37 (hg19) VCF-style: chrX-12735779-C-A.
Other names: c.2945C>A, p.Pro982His (NM_001368395.3, NM_001368398.3); c.2840C>A, p.Pro947His (NM_001368396.3); c.2825C>A, p.Pro942His (NM_001368399.3); c.2714C>A, p.Pro905His (NM_001368400.3); c.2810C>A, p.Pro937His (NM_001368401.1, NM_001368402.3); c.2834C>A, p.Pro945His (NM_014728.3); short protein forms P905H, P937H, P942H, P945H, P947H, P982H.
Identifiers: ClinVar variation 3371574 (VCV003371574.1).

ClinVar aggregate classification (germline): Uncertain significance (1 of 4 stars; one submission).

Submission:

GeneDx
Classification: Uncertain significance. Last evaluated: 2024-04-01. Review status: criteria provided, single submitter. Criteria: GeneDx Variant Classification Process June 2021. Collection method: clinical testing. Allele origin: germline. Affected: yes.
Comment: Not observed at significant frequency in large population cohorts (gnomAD); In silico analysis supports that this missense variant does not alter protein structure/function; Has not been previously published as pathogenic or benign to our knowledge